The following is an entry in ClinVar:

NM_000135.4(FANCA):c.1805C>G (p.Ala602Gly)

Gene: FANCA (FA complementation group A; minus strand). Cytogenetic location: 16q24.3.
Variant type: single nucleotide variant.
Coding change: c.1805C>G on transcript NM_000135.4 (MANE Select); coding-DNA position 1805, C replaced by G.
Protein change: p.Ala602Gly; replaces alanine 602 with glycine.
Molecular consequence: missense variant.
Genome position (GRCh38, 1-based): chr16:89,778,822, G>C on the plus strand (C>G on the coding strand, the complement: FANCA is on the minus strand). VCF-style: chr16-89778822-G-C. GRCh37 (hg19) VCF-style: chr16-89845230-G-C.
Other names: c.1805C>G, p.Ala602Gly (NM_001286167.3); short protein forms A602G.
Identifiers: ClinVar variation 1039514 (VCV001039514.12), dbSNP rs374968669, ClinGen allele CA286573955.

ClinVar aggregate classification (germline): Uncertain significance. Review status: criteria provided, multiple submitters, no conflicts (2 of 4 stars). 3 submissions from 3 submitters: Uncertain significance (2). 1 of the submissions does not count toward it. Last evaluated 2025-12-18.

Conditions:
Fanconi anemia (FA). Also called: Fanconi's anemia. Identifiers: Orphanet 84, MedGen C0015625, MeSH D005199, MONDO:0019391.

Allele frequency attached by ClinVar (database versions not stated): TOPMed 0.00004.
gnomAD v4.1: 26 of 1,613,810 alleles (0.0016%); highest among the groups gnomAD compares: Non-Finnish European, 0.0021%; no homozygotes.

Submissions (3):

Labcorp Genetics (formerly Invitae), Labcorp
Classification: Uncertain significance for Fanconi anemia. Last evaluated: 2025-12-18. Review status: criteria provided, single submitter. Criteria: Invitae Variant Classification Sherloc (09022015). Collection method: clinical testing. Allele origin: germline.
Comment: This sequence change replaces alanine, which is neutral and non-polar, with glycine, which is neutral and non-polar, at codon 602 of the FANCA protein (p.Ala602Gly). This variant is present in population databases (no rsID available, gnomAD 0.004%). This variant has not been reported in the literature in individuals affected with FANCA-related conditions. ClinVar contains an entry for this variant (Variation ID: 1039514). Invitae Evidence Modeling of protein sequence and biophysical properties (such as structural, functional, and spatial information, amino acid conservation, physicochemical variation, residue mobility, and thermodynamic stability) indicates that this missense variant is not expected to disrupt FANCA protein function with a negative predictive value of 95%. Algorithms developed to predict the effect of sequence changes on RNA splicing suggest that this variant may disrupt the consensus splice site. In summary, the available evidence is currently insufficient to determine the role of this variant in disease. Therefore, it has been classified as a Variant of Uncertain Significance.

Blueprint Genetics
Classification: Uncertain significance. Last evaluated: 2018-03-29. Review status: criteria provided, single submitter. Criteria: ACMG Guidelines, 2015. Collection method: clinical testing. Allele origin: germline.

Natera, Inc.
Classification: Uncertain significance for Fanconi anemia. Last evaluated: 2021-08-20. Review status: no assertion criteria provided. Collection method: clinical testing. Allele origin: germline. Not counted in ClinVar's aggregate classification.